The following is an entry in ClinVar:

ClinVar aggregate classification (germline): Uncertain significance. Review status: criteria provided, multiple submitters, no conflicts (2 of 4 stars). 2 submissions from 2 submitters: Uncertain significance (2). Last evaluated 2024-11-06.

Conditions:
Rubinstein-Taybi syndrome due to EP300 haploinsufficiency. Also called: EP300-Related Rubinstein-Taybi Syndrome; RUBINSTEIN-TAYBI SYNDROME 2. Identifiers: Orphanet 353284, Orphanet 783, MedGen C3150941, MONDO:0013364, OMIM 613684.
EP300-related disorder. Also called: EP300-related condition; EP300-related disorders.

Allele frequency attached by ClinVar (database versions not stated): gnomAD exomes below 0.00001.

Submissions (2):

PreventionGenetics, part of Exact Sciences
Classification: Uncertain significance for EP300-related condition. Last evaluated: 2024-11-06. Review status: criteria provided, single submitter. Criteria: ACMG Guidelines, 2015. Collection method: clinical testing. Allele origin: germline.
Comment: The EP300 c.521A>G variant is predicted to result in the amino acid substitution p.Asn174Ser. To our knowledge, this variant has not been reported in the literature or in a large population database (gnomAD), indicating this variant is rare. At this time, the clinical significance of this variant is uncertain due to the absence of conclusive functional and genetic evidence.

Labcorp Genetics (formerly Invitae), Labcorp
Classification: Uncertain significance for Rubinstein-Taybi syndrome due to EP300 haploinsufficiency. Last evaluated: 2022-09-06. Review status: criteria provided, single submitter. Criteria: Invitae Variant Classification Sherloc (09022015). Collection method: clinical testing. Allele origin: germline.
Comment: In summary, the available evidence is currently insufficient to determine the role of this variant in disease. Therefore, it has been classified as a Variant of Uncertain Significance. Advanced modeling of protein sequence and biophysical properties (such as structural, functional, and spatial information, amino acid conservation, physicochemical variation, residue mobility, and thermodynamic stability) performed at Invitae indicates that this missense variant is not expected to disrupt EP300 protein function. This variant has not been reported in the literature in individuals affected with EP300-related conditions. This variant is not present in population databases (gnomAD no frequency). This sequence change replaces asparagine, which is neutral and polar, with serine, which is neutral and polar, at codon 174 of the EP300 protein (p.Asn174Ser).

NM_001429.4(EP300):c.521A>G (p.Asn174Ser)

Gene: EP300 (EP300 lysine acetyltransferase; plus strand). Cytogenetic location: 22q13.2.
Variant type: single nucleotide variant.
Coding change: c.521A>G on transcript NM_001429.4 (MANE Select); coding-DNA position 521, A replaced by G.
Protein change: p.Asn174Ser; replaces asparagine 174 with serine.
Molecular consequence: missense variant.
Genome position (GRCh38, 1-based): chr22:41,117,613, A>G. VCF-style: chr22-41117613-A-G. GRCh37 (hg19) VCF-style: chr22-41513617-A-G.
Other names: c.521A>G (NM_001429.3); c.521A>G, p.Asn174Ser (NM_001362843.2); short protein forms N174S.
Identifiers: ClinVar variation 1895936 (VCV001895936.6), dbSNP rs2518116490, ClinGen allele CA411681015.